The following is an entry in ClinVar:

NM_000054.7(AVPR2):c.532_533insA (p.Phe178fs)

Gene: AVPR2 (arginine vasopressin receptor 2; plus strand). Cytogenetic location: Xq28.
Variant type: Insertion.
Coding change: c.532_533insA on transcript NM_000054.7 (MANE Select); coding-DNA positions 532 to 533, A inserted.
Protein change: p.Phe178fs; shifts the reading frame from phenylalanine 178.
Molecular consequence: frameshift variant. On other transcripts: non-coding transcript variant (1).
Genome position: GRCh38 VCF-style: chrX-153906038-T-TA. GRCh37 (hg19) VCF-style: chrX-153171492-T-TA.
Other names: c.532_533insA, p.Phe178fs (NM_001146151.3); short protein forms F178fs.
Identifiers: ClinVar variation 2829125 (VCV002829125.3), dbSNP rs2521156139, ClinGen allele CA2739273865.
Genomic context (GRCh38, chrX:153,906,038, plus strand): 5'-CGGCCGGTGCTAGTGGCTTGGGCCTTCTCGCTCCTTCTCAGCCTGCCCCAGCTCTTCATC[T>TA]TCGCCCAGCGCAACGTGGAAGGTGGCAGCGGGGTCACTGACTGCTGGGCCTGCTTTGCGG-3'

ClinVar aggregate classification (germline): Pathogenic (1 of 4 stars; one submission).

Submission:

Labcorp Genetics (formerly Invitae), Labcorp
Classification: Pathogenic. Last evaluated: 2023-08-21. Review status: criteria provided, single submitter. Criteria: Invitae Variant Classification Sherloc (09022015). Collection method: clinical testing. Allele origin: germline.
Comment: For these reasons, this variant has been classified as Pathogenic. This variant has not been reported in the literature in individuals affected with AVPR2-related conditions. This variant is not present in population databases (gnomAD no frequency). This sequence change creates a premature translational stop signal (p.Phe178Tyrfs*14) in the AVPR2 gene. It is expected to result in an absent or disrupted protein product. Loss-of-function variants in AVPR2 are known to be pathogenic (PMID: 8037205, 10820168).

Literature cited by the submitters: PubMed 8037205; PubMed 10820168.